The following is an entry in ClinVar:

NM_000038.6(APC):c.2631T>A (p.Gly877=)

Gene: APC (APC regulator of Wnt signaling pathway; plus strand). Cytogenetic location: 5q22.2.
Variant type: single nucleotide variant.
Coding change: c.2631T>A on transcript NM_000038.6 (MANE Select); coding-DNA position 2631, T replaced by A.
Protein change: p.Gly877=; no amino-acid change (glycine 877 retained).
Molecular consequence: synonymous variant.
Genome position (GRCh38, 1-based): chr5:112,838,225, T>A. VCF-style: chr5-112838225-T-A. GRCh37 (hg19) VCF-style: chr5-112173922-T-A.
Other names: c.2631T>A, p.Gly877= (NM_001127510.3, NM_001354895.2); c.2577T>A, p.Gly859= (NM_001127511.3); c.2685T>A, p.Gly895= (NM_001354896.2); c.2661T>A, p.Gly887= (NM_001354897.2); c.2358T>A, p.Gly786= (NM_001354902.2); c.2253T>A, p.Gly751= (NM_001354904.2); c.2556T>A, p.Gly852= (NM_001354898.2); c.2547T>A, p.Gly849= (NM_001354899.2); and 5 more.
Identifiers: ClinVar variation 184116 (VCV000184116.25), dbSNP rs762629631, ClinGen allele CA007672.

ClinVar aggregate classification (germline): Benign/Likely benign. Review status: criteria provided, multiple submitters, no conflicts (2 of 4 stars). 9 submissions from 9 submitters: Benign (1); Likely benign (8). Last evaluated 2026-02-03.

Conditions:
Hereditary cancer-predisposing syndrome. Also called: Tumor predisposition; Hereditary Cancer Syndrome; Hereditary neoplastic syndrome; Neoplastic Syndromes, Hereditary. Identifiers: Orphanet 140162, MedGen C0027672, MeSH D009386, MONDO:0015356.
Classic or attenuated familial adenomatous polyposis. Identifiers: MedGen CN372698, MONDO:0021057.
Familial adenomatous polyposis 1 (FAP1). Also called: FAMILIAL ADENOMATOUS POLYPOSIS 1, ATTENUATED; POLYPOSIS, ADENOMATOUS INTESTINAL. Identifiers: MedGen C2713442, MONDO:0021056, OMIM 175100. Disease mechanism: loss of function.

Allele frequency attached by ClinVar (database versions not stated): gnomAD 0.00001; gnomAD exomes 0.00001 and 0.00002; ExAC 0.00002; TOPMed 0.00002.
gnomAD v4.1: 22 of 1,613,722 alleles (0.0014%); highest among the groups gnomAD compares: Non-Finnish European, 0.0019%; no homozygotes.

Submissions (9):

Labcorp Genetics (formerly Invitae), Labcorp
Classification: Likely benign for Familial adenomatous polyposis 1. Last evaluated: 2026-02-03. Review status: criteria provided, single submitter. Criteria: Invitae Variant Classification Sherloc (09022015). Collection method: clinical testing. Allele origin: germline.

Center for Genomic Medicine, Rigshospitalet, Copenhagen University Hospital
Classification: Likely benign. Last evaluated: 2025-12-29. Review status: criteria provided, single submitter. Criteria: ACMG Guidelines, 2015. Collection method: clinical testing. Allele origin: germline.

Women's Health and Genetics/Laboratory Corporation of America, LabCorp
Classification: Likely benign. Last evaluated: 2025-03-22. Review status: criteria provided, single submitter. Criteria: LabCorp Variant Classification Summary - May 2015. Collection method: clinical testing. Allele origin: germline.

Myriad Genetics, Inc.
Classification: Benign for Familial adenomatous polyposis 1. Last evaluated: 2024-03-14. Review status: criteria provided, single submitter. Criteria: Myriad Autosomal Dominant, Autosomal Recessive and X-Linked Classification Criteria (2023). Collection method: clinical testing. Allele origin: unknown.
Comment: This variant is considered benign. This variant is a silent/synonymous amino acid change and it is not expected to impact splicing.

All of Us Research Program, National Institutes of Health
Classification: Likely benign for Classic or attenuated familial adenomatous polyposis. Last evaluated: 2023-12-13. Review status: criteria provided, single submitter. Criteria: ACMG Guidelines, 2015. Collection method: clinical testing. Allele origin: germline. Inheritance: Autosomal dominant inheritance. Observed: 5 variant alleles, 5 heterozygotes.
Comment: This study involves interpretation of variants in research participants for the purpose of population health screening. Participant phenotype was not available at the time of variant classification. Additional details can be found in publication PMID: 35346344, PMCID: PMC8962531

Quest Diagnostics Nichols Institute San Juan Capistrano
Classification: Likely benign. Last evaluated: 2019-05-31. Review status: criteria provided, single submitter. Criteria: Quest Diagnostics criteria. Collection method: clinical testing. Allele origin: germline.

GeneDx
Classification: Likely benign. Last evaluated: 2019-04-17. Review status: criteria provided, single submitter. Criteria: GeneDx Variant Classification Process June 2021. Collection method: clinical testing. Allele origin: germline. Affected: yes.
Comment: This variant is associated with the following publications: (PMID: 15656904)

Color Diagnostics, LLC DBA Color Health
Classification: Likely benign for Hereditary cancer-predisposing syndrome. Last evaluated: 2017-01-25. Review status: criteria provided, single submitter. Criteria: ACMG Guidelines, 2015. Collection method: clinical testing. Allele origin: germline.

Ambry Genetics
Classification: Likely benign for Hereditary cancer-predisposing syndrome. Last evaluated: 2016-09-28. Review status: criteria provided, single submitter. Criteria: Ambry Variant Classification Scheme 2023. Collection method: clinical testing. Allele origin: germline.